The following is an entry in ClinVar:

NM_206933.4(USH2A):c.12086dup (p.His4029fs)

Gene: USH2A (usherin; minus strand). Cytogenetic location: 1q41.
Variant type: Duplication.
Coding change: c.12086dup on transcript NM_206933.4 (MANE Select); coding-DNA position 12086, one base duplicated (A; older notation c.12086dupA).
Protein change: p.His4029fs; shifts the reading frame from histidine 4029.
Molecular consequence: frameshift variant.
Genome position (GRCh38, 1-based): chr1:215,680,357, T duplicated on the plus strand (A on the coding strand, the reverse complement: USH2A is on the minus strand). VCF-style (leftmost placement, unchanged base first): chr1-215680356-G-GT. GRCh37 (hg19) VCF-style: chr1-215853698-G-GT.
Other names: short protein forms H4029fs.
Identifiers: ClinVar variation 2679462 (VCV002679462.6), dbSNP rs2464915337, ClinGen allele CA2586968207.

ClinVar aggregate classification (germline): Pathogenic/Likely pathogenic. Review status: criteria provided, multiple submitters, no conflicts (2 of 4 stars). 3 submissions from 3 submitters: Pathogenic (2); Likely pathogenic (1). Last evaluated 2023-09-09.

Conditions:
Usher syndrome type 2A. Also called: RETINAL DISEASE IN USHER SYNDROME TYPE IIA, MODIFIER OF; USHER SYNDROME, TYPE IIA. Identifiers: Orphanet 231178, Orphanet 886, MedGen C1848634, MONDO:0010169, OMIM 276901.
Retinitis pigmentosa 39 (RP39). Identifiers: Orphanet 791, MedGen C3151138, MONDO:0013436, OMIM 613809.

Submissions (3):

Baylor Genetics
Classification: Likely pathogenic for Retinitis pigmentosa 39. Last evaluated: 2023-09-09. Review status: criteria provided, single submitter. Criteria: ACMG Guidelines, 2015. Collection method: clinical testing. Allele origin: unknown.

Labcorp Genetics (formerly Invitae), Labcorp
Classification: Pathogenic. Last evaluated: 2023-08-16. Review status: criteria provided, single submitter. Criteria: Invitae Variant Classification Sherloc (09022015). Collection method: clinical testing. Allele origin: germline.
Comment: This sequence change creates a premature translational stop signal (p.His4029Glnfs*70) in the USH2A gene. It is expected to result in an absent or disrupted protein product. Loss-of-function variants in USH2A are known to be pathogenic (PMID: 10729113, 10909849, 20507924, 25649381). This variant is not present in population databases (gnomAD no frequency). This premature translational stop signal has been observed in individuals with retinitis pigmentosa (PMID: 30948794, 32319668). For these reasons, this variant has been classified as Pathogenic.

Juno Genomics, Hangzhou Juno Genomics, Inc
Classification: Pathogenic for Retinitis pigmentosa 39; Usher syndrome type 2A. Review status: criteria provided, single submitter. Criteria: ACMG Guidelines, 2015. Collection method: clinical testing. Allele origin: germline.
Comment: Absent from controls (or at extremely low frequency if recessive) in Genome Aggregation Database.;Null variant in a gene where loss of function (LOF) is a known mechanism of disease.;For recessive disorders, detected in trans with a pathogenic variant.;Co-segregation with disease in multiple affected family members.;Patient's phenotype or family history is highly specific for a disease with a single genetic etiology.

Literature cited by the submitters: PubMed 10729113 (cited by Labcorp Genetics (formerly Invitae), Labcorp); PubMed 10909849 (cited by Labcorp Genetics (formerly Invitae), Labcorp); PubMed 20507924 (cited by Labcorp Genetics (formerly Invitae), Labcorp); PubMed 25649381 (cited by Labcorp Genetics (formerly Invitae), Labcorp); PubMed 30948794 (cited by Labcorp Genetics (formerly Invitae), Labcorp); PubMed 32319668 (cited by Labcorp Genetics (formerly Invitae), Labcorp).